The following is an entry in ClinVar:

NM_012106.4(ARL2BP):c.46G>T (p.Ala16Ser)

Gene: ARL2BP (ARF like GTPase 2 binding protein; plus strand). Cytogenetic location: 16q13.
Variant type: single nucleotide variant.
Coding change: c.46G>T on transcript NM_012106.4 (MANE Select); coding-DNA position 46, G replaced by T.
Protein change: p.Ala16Ser; replaces alanine 16 with serine.
Molecular consequence: missense variant.
Genome position (GRCh38, 1-based): chr16:57,246,087, G>T. VCF-style: chr16-57246087-G-T. GRCh37 (hg19) VCF-style: chr16-57279999-G-T.
Other names: c.46G>T (NM_012106.3); short protein forms A16S.
Identifiers: ClinVar variation 1047827 (VCV001047827.10), dbSNP rs1293111951, ClinGen allele CA396021050.

ClinVar aggregate classification (germline): Uncertain significance. Review status: criteria provided, multiple submitters, no conflicts (2 of 4 stars). 2 submissions from 2 submitters: Uncertain significance (2). Last evaluated 2025-08-08.

Conditions:
Inborn genetic diseases. Identifiers: MedGen C0950123, MeSH D030342.

Allele frequency attached by ClinVar (database versions not stated): TOPMed 0.00003; gnomAD 0.00004.
gnomAD v4.1: 10 of 1,613,750 alleles (0.00062%); highest among the groups gnomAD compares: African/African-American, 0.013%; no homozygotes.

Submissions (2):

Ambry Genetics
Classification: Uncertain significance for Inborn genetic diseases. Last evaluated: 2025-08-08. Review status: criteria provided, single submitter. Criteria: Ambry Variant Classification Scheme 2023. Collection method: clinical testing. Allele origin: germline.

Labcorp Genetics (formerly Invitae), Labcorp
Classification: Uncertain significance. Last evaluated: 2022-10-17. Review status: criteria provided, single submitter. Criteria: Invitae Variant Classification Sherloc (09022015). Collection method: clinical testing. Allele origin: germline.
Comment: In summary, the available evidence is currently insufficient to determine the role of this variant in disease. Therefore, it has been classified as a Variant of Uncertain Significance. Algorithms developed to predict the effect of missense changes on protein structure and function are either unavailable or do not agree on the potential impact of this missense change (SIFT: "Tolerated"; PolyPhen-2: "Not Available"; Align-GVGD: "Class C0"). ClinVar contains an entry for this variant (Variation ID: 1047827). This variant has not been reported in the literature in individuals affected with ARL2BP-related conditions. This variant is not present in population databases (gnomAD no frequency). This sequence change replaces alanine, which is neutral and non-polar, with serine, which is neutral and polar, at codon 16 of the ARL2BP protein (p.Ala16Ser).